The following is an entry in ClinVar:

NM_003060.4(SLC22A5):c.455G>A (p.Gly152Asp)

Gene: SLC22A5 (solute carrier family 22 member 5; plus strand). Cytogenetic location: 5q31.1.
Variant type: single nucleotide variant.
Coding change: c.455G>A on transcript NM_003060.4 (MANE Select); coding-DNA position 455, G replaced by A.
Protein change: p.Gly152Asp; replaces glycine 152 with aspartic acid.
Molecular consequence: missense variant.
Genome position (GRCh38, 1-based): chr5:132,378,439, G>A. VCF-style: chr5-132378439-G-A. GRCh37 (hg19) VCF-style: chr5-131714131-G-A.
Other names: p.Gly152Asp; c.527G>A, p.Gly176Asp (NM_001308122.2); short protein forms G152D, G176D.
Identifiers: ClinVar variation 460408 (VCV000460408.17), dbSNP rs747821417, ClinGen allele CA3403893.
Genomic context (GRCh38, chr5:132,378,439, plus strand): 5'-GGAACCTGGTGTGTGAGGACGACTGGAAGGCCCCACTCACAATCTCCTTGTTCTTCGTGG[G>A]TGTGCTGTTGGGCTCCTTCATTTCAGGGCAGCTGTCAGACAGGTAAGGTGTCTGTCTTCT-3'
Protein context (NP_003051.1, residues 142-162): APLTISLFFV[Gly152Asp]VLLGSFISGQ

ClinVar aggregate classification (germline): Pathogenic/Likely pathogenic. Review status: criteria provided, multiple submitters, no conflicts (2 of 4 stars). 5 submissions from 5 submitters: Pathogenic (1); Likely pathogenic (4). Last evaluated 2024-03-10.

Conditions:
Inborn genetic diseases. Identifiers: MedGen C0950123, MeSH D030342.
Renal carnitine transport defect (CDSP). Also called: Primary carnitine deficiency; CARNITINE DEFICIENCY, SYSTEMIC, DUE TO DEFECT IN RENAL REABSORPTION OF CARNITINE; CARNITINE TRANSPORTER, PLASMA-MEMBRANE, DEFICIENCY OF; CARNITINE UPTAKE DEFECT; Systemic primary carnitine deficiency; Systemic primary carnitine deficiency disease. Identifiers: Orphanet 158, MedGen C0342788, MONDO:0008919, OMIM 212140.

Allele frequency attached by ClinVar (database versions not stated): gnomAD exomes below 0.00001 and 0.00001; TOPMed below 0.00001; gnomAD 0.00001; ExAC 0.00002.
gnomAD v4.1: 5 of 1,614,024 alleles (0.00031%); highest among the groups gnomAD compares: Non-Finnish European, 0.00042%; no homozygotes.

Submissions (5):

Baylor Genetics
Classification: Likely pathogenic for Renal carnitine transport defect. Last evaluated: 2024-03-10. Review status: criteria provided, single submitter. Criteria: ACMG Guidelines, 2015. Collection method: clinical testing. Allele origin: unknown.

Labcorp Genetics (formerly Invitae), Labcorp
Classification: Pathogenic for Renal carnitine transport defect. Last evaluated: 2023-05-11. Review status: criteria provided, single submitter. Criteria: Invitae Variant Classification Sherloc (09022015). Collection method: clinical testing. Allele origin: germline.
Comment: This missense change has been observed in individual(s) with primary carnitine deficiency (Invitae). This variant is present in population databases (rs747821417, gnomAD 0.003%). This sequence change replaces glycine, which is neutral and non-polar, with aspartic acid, which is acidic and polar, at codon 152 of the SLC22A5 protein (p.Gly152Asp). This variant disrupts the p.Gly152 amino acid residue in SLC22A5. Other variant(s) that disrupt this residue have been observed in individuals with SLC22A5-related conditions (PMID: 23430869), which suggests that this may be a clinically significant amino acid residue. For these reasons, this variant has been classified as Pathogenic. Advanced modeling of protein sequence and biophysical properties (such as structural, functional, and spatial information, amino acid conservation, physicochemical variation, residue mobility, and thermodynamic stability) performed at Invitae indicates that this missense variant is expected to disrupt SLC22A5 protein function. ClinVar contains an entry for this variant (Variation ID: 460408).

Giacomini Lab, University of California, San Francisco
Classification: Likely pathogenic for Renal carnitine transport defect. Last evaluated: 2022-10-03. Review status: criteria provided, single submitter. Criteria: ACMG Guidelines, 2015. Collection method: research, in vitro. Allele origin: germline, not applicable.

Genome-Nilou Lab
Classification: Likely pathogenic for Renal carnitine transport defect. Last evaluated: 2021-07-15. Review status: criteria provided, single submitter. Criteria: ACMG Guidelines, 2015. Collection method: clinical testing. Allele origin: germline. Affected: no.

Ambry Genetics
Classification: Likely pathogenic for Inborn genetic diseases. Last evaluated: 2016-02-16. Review status: criteria provided, single submitter. Criteria: Ambry exome assertion method (8-5-2015). Collection method: clinical testing. Allele origin: germline. Affected: yes. Observed: 1 variant allele.

Literature cited by the submitters: PubMed 23430869 (cited by Labcorp Genetics (formerly Invitae), Labcorp).